The following is an entry in ClinVar:

NM_006734.4(HIVEP2):c.5592G>A (p.Ser1864=)

Gene: HIVEP2 (HIVEP zinc finger 2; minus strand). Cytogenetic location: 6q24.2.
Variant type: single nucleotide variant.
Coding change: c.5592G>A on transcript NM_006734.4 (MANE Select); coding-DNA position 5592, G replaced by A.
Protein change: p.Ser1864=; no amino-acid change (serine 1864 retained).
Molecular consequence: synonymous variant.
Genome position (GRCh38, 1-based): chr6:142,761,492, C>T on the plus strand (G>A on the coding strand, the complement: HIVEP2 is on the minus strand). VCF-style: chr6-142761492-C-T. GRCh37 (hg19) VCF-style: chr6-143082629-C-T.
Identifiers: ClinVar variation 2066142 (VCV002066142.32), dbSNP rs201565528, ClinGen allele CA4027845.

ClinVar aggregate classification (germline): Likely benign. Review status: criteria provided, multiple submitters, no conflicts (2 of 4 stars). 3 submissions from 3 submitters: Likely benign (3). Last evaluated 2025-09-10.

Allele frequency attached by ClinVar (database versions not stated): ESP Exome Variant Server 0.00008; 1000 Genomes Project 30x 0.00016; 1000 Genomes Project 0.00020; TOPMed 0.00022.
gnomAD v4.1: 380 of 1,602,752 alleles (0.024%); highest among the groups gnomAD compares: Non-Finnish European, 0.027%; no homozygotes.

Submissions (3):

Labcorp Genetics (formerly Invitae), Labcorp
Classification: Likely benign. Last evaluated: 2025-09-10. Review status: criteria provided, single submitter. Criteria: Invitae Variant Classification Sherloc (09022015). Collection method: clinical testing. Allele origin: germline.

CeGaT Center for Human Genetics Tuebingen
Classification: Likely benign. Last evaluated: 2025-09-01. Review status: criteria provided, single submitter. Criteria: CeGaT Center For Human Genetics Tuebingen Variant Classification Criteria Version 2. Collection method: clinical testing. Allele origin: germline. Affected: yes. Observed: 2 variant alleles.
Comment: HIVEP2: BP4, BP7

Blueprint Genetics
Classification: Likely benign. Last evaluated: 2024-05-23. Review status: criteria provided, single submitter. Criteria: ACMG Guidelines, 2015. Collection method: clinical testing. Allele origin: germline.